The following is an entry in ClinVar:

NM_001197104.2(KMT2A):c.227G>C (p.Gly76Ala)

Gene: KMT2A (lysine methyltransferase 2A; plus strand). Cytogenetic location: 11q23.3.
Variant type: single nucleotide variant.
Coding change: c.227G>C on transcript NM_001197104.2 (MANE Select); coding-DNA position 227, G replaced by C.
Protein change: p.Gly76Ala; replaces glycine 76 with alanine.
Molecular consequence: missense variant.
Genome position (GRCh38, 1-based): chr11:118,436,739, G>C. VCF-style: chr11-118436739-G-C. GRCh37 (hg19) VCF-style: chr11-118307454-G-C.
Other names: c.227G>C, p.Gly76Ala (NM_005933.4); short protein forms G76A.
Identifiers: ClinVar variation 1279102 (VCV001279102.12), dbSNP rs533795027, ClinGen allele CA6303211.

ClinVar aggregate classification (germline): Benign/Likely benign. Review status: criteria provided, multiple submitters, no conflicts (2 of 4 stars). 4 submissions from 4 submitters: Benign (2); Likely benign (2). Last evaluated 2026-01-24.

Allele frequency attached by ClinVar (database versions not stated): gnomAD 0.00004 and 0.00006; ExAC 0.00026; 1000 Genomes Project 0.00060; 1000 Genomes Project 30x 0.00141.
gnomAD v4.1: 56 of 1,583,484 alleles (0.0035%); highest among the groups gnomAD compares: East Asian, 0.13%; no homozygotes.

Submissions (4):

Labcorp Genetics (formerly Invitae), Labcorp
Classification: Benign. Last evaluated: 2026-01-24. Review status: criteria provided, single submitter. Criteria: Invitae Variant Classification Sherloc (09022015). Collection method: clinical testing. Allele origin: germline.

Women's Health and Genetics/Laboratory Corporation of America, LabCorp
Classification: Likely benign. Last evaluated: 2025-05-12. Review status: criteria provided, single submitter. Criteria: LabCorp Variant Classification Summary - May 2015. Collection method: clinical testing. Allele origin: germline.
Comment: Variant summary: KMT2A c.227G>C (p.Gly76Ala) results in a non-conservative amino acid change in the encoded protein sequence. Algorithms developed to predict the effect of missense changes on protein structure and function are either unavailable or do not agree on the potential impact of this missense change. The variant allele was found at a frequency of 0.00014 in 205746 control chromosomes, predominantly at a frequency of 0.002 within the East Asian subpopulation in the gnomAD database. The observed variant frequency within East Asian control individuals in the gnomAD database exceeds the estimated maximal expected allele frequency for a pathogenic variant in KMT2A causing Wiedemann-Steiner Syndrome phenotype. To our knowledge, no occurrence of c.227G>C in individuals affected with Wiedemann-Steiner Syndrome and no experimental evidence demonstrating its impact on protein function have been reported. ClinVar contains an entry for this variant (Variation ID: 1279102). Based on the evidence outlined above, the variant was classified as likely benign.

Blueprint Genetics
Classification: Likely benign. Last evaluated: 2024-10-30. Review status: criteria provided, single submitter. Criteria: ACMG Guidelines, 2015. Collection method: clinical testing. Allele origin: germline.

GeneDx
Classification: Benign. Last evaluated: 2021-06-20. Review status: criteria provided, single submitter. Criteria: GeneDx Variant Classification Process June 2021. Collection method: clinical testing. Allele origin: germline. Affected: yes.